The following is an entry in ClinVar:

NM_004960.4(FUS):c.1541+1G>A

Gene: FUS (FUS RNA binding protein; plus strand). Cytogenetic location: 16p11.2.
Variant type: single nucleotide variant.
Coding change: c.1541+1G>A on transcript NM_004960.4 (MANE Select); the canonical splice donor site of the intron after coding-DNA position 1541, G replaced by A.
Molecular consequence: splice donor variant.
Genome position (GRCh38, 1-based): chr16:31,191,111, G>A. VCF-style: chr16-31191111-G-A. GRCh37 (hg19) VCF-style: chr16-31202432-G-A.
Other names: c.1529+1G>A (NM_001170937.1); c.1538+1G>A (NM_001170634.1).
Identifiers: ClinVar variation 847302 (VCV000847302.8), dbSNP rs2079351113, ClinGen allele CA395676130.

ClinVar aggregate classification (germline): Pathogenic (1 of 4 stars; one submission).

Conditions:
Amyotrophic lateral sclerosis type 6. Also called: AMYOTROPHIC LATERAL SCLEROSIS 6 WITHOUT FRONTOTEMPORAL DEMENTIA; FUS-Related Amyotrophic Laterial Sclerosis; Amyotrophic lateral sclerosis 6, with or without frontotemporal dementia. Identifiers: Orphanet 275872, Orphanet 803, MedGen C2931786, MONDO:0011951, OMIM 608030.
Tremor, hereditary essential, 4 (ETM4). Identifiers: MedGen C3539195, MONDO:0013888, OMIM 614782.

Submission:

Labcorp Genetics (formerly Invitae), Labcorp
Classification: Pathogenic for Tremor, hereditary essential, 4; Amyotrophic lateral sclerosis type 6. Last evaluated: 2023-10-03. Review status: criteria provided, single submitter. Criteria: Invitae Variant Classification Sherloc (09022015). Collection method: clinical testing. Allele origin: germline.
Comment: This sequence change affects a donor splice site in intron 14 of the FUS gene. RNA analysis indicates that disruption of this splice site induces altered splicing and likely disrupts the C-terminus of the protein. This variant is not present in population databases (gnomAD no frequency). Disruption of this splice site has been observed in individuals with clinical features of amyotrophic lateral sclerosis (ALS) (PMID: 33159016; Invitae). ClinVar contains an entry for this variant (Variation ID: 847302). Variants that disrupt the consensus splice site are a relatively common cause of aberrant splicing (PMID: 17576681, 9536098). Studies have shown that disruption of this splice site results in skipping of exon 14 and introduces a new termination codon (PMID: 33159016). However the mRNA is not expected to undergo nonsense-mediated decay. This variant disrupts a region of the FUS protein in which other variant(s) (p.Pro525Leu) have been determined to be pathogenic (PMID: 19251627, 20579074, 21604077, 21907581, 22980027, 27123482). This suggests that this is a clinically significant region of the protein, and that variants that disrupt it are likely to be disease-causing. For these reasons, this variant has been classified as Pathogenic.

Literature cited by the submitters: PubMed 33159016; PubMed 17576681; PubMed 9536098; PubMed 19251627; PubMed 20579074; PubMed 21604077; PubMed 21907581; PubMed 22980027; PubMed 27123482.